The following is an entry in ClinVar:

NM_000238.4(KCNH2):c.2231G>A (p.Arg744Gln)

Gene: KCNH2 (potassium voltage-gated channel subfamily H member 2; minus strand). Cytogenetic location: 7q36.1.
Variant type: single nucleotide variant.
Coding change: c.2231G>A on transcript NM_000238.4 (MANE Select); coding-DNA position 2231, G replaced by A.
Protein change: p.Arg744Gln; replaces arginine 744 with glutamine.
Molecular consequence: missense variant.
Genome position (GRCh38, 1-based): chr7:150,950,335, C>T on the plus strand (G>A on the coding strand, the complement: KCNH2 is on the minus strand). VCF-style: chr7-150950335-C-T. GRCh37 (hg19) VCF-style: chr7-150647423-C-T.
Other names: c.1211G>A, p.Arg404Gln (NM_001204798.2, NM_172057.3); c.1943G>A, p.Arg648Gln (NM_001406753.1, NM_001406756.1); c.2054G>A, p.Arg685Gln (NM_001406755.1); c.1931G>A, p.Arg644Gln (NM_001406757.1); c.2231G>A, p.Arg744Gln (NM_172056.3); short protein forms R404Q, R744Q, R644Q, R648Q, R685Q.
Identifiers: ClinVar variation 924279 (VCV000924279.14), dbSNP rs1264176305, ClinGen allele CA369856515.

ClinVar aggregate classification (germline): Uncertain significance. Review status: criteria provided, multiple submitters, no conflicts (2 of 4 stars). 5 submissions from 5 submitters: Uncertain significance (5). Last evaluated 2025-04-17.

Conditions:
Cardiovascular phenotype. Identifiers: MedGen CN230736.
Cardiac arrhythmia. Also called: Arrhythmia; Cardiac rhythm disease. Identifiers: MedGen C0003811, MONDO:0007263, HP:0011675.
Short QT syndrome type 1. Identifiers: Orphanet 51083, MedGen C1865020, MONDO:0012312, OMIM 609620.
Long QT syndrome 2 (LQT2). Identifiers: Orphanet 101016, Orphanet 768, MedGen C3150943, MONDO:0013367, OMIM 613688.
Long QT syndrome (LQTS). Identifiers: MedGen C0023976, MeSH D008133, MONDO:0002442. Disease mechanism: loss of function. Inheritance: Various modes of inheritance.

Allele frequency attached by ClinVar (database versions not stated): gnomAD exomes below 0.00001 and 0.00001; TOPMed below 0.00001; gnomAD 0.00001.
gnomAD v4.1: 17 of 1,613,436 alleles (0.0011%); highest among the groups gnomAD compares: East Asian, 0.0022%; no homozygotes.

Submissions (5):

Labcorp Genetics (formerly Invitae), Labcorp
Classification: Uncertain significance for Long QT syndrome. Last evaluated: 2025-04-17. Review status: criteria provided, single submitter. Criteria: Invitae Variant Classification Sherloc (09022015). Collection method: clinical testing. Allele origin: germline.
Comment: This sequence change replaces arginine, which is basic and polar, with glutamine, which is neutral and polar, at codon 744 of the KCNH2 protein (p.Arg744Gln). This variant is present in population databases (no rsID available, gnomAD 0.0009%). This missense change has been observed in individual(s) with long QT syndrome (PMID: 26746457). ClinVar contains an entry for this variant (Variation ID: 924279). An algorithm developed to predict the effect of missense changes on protein structure and function (PolyPhen-2) suggests that this variant is likely to be tolerated. This variant disrupts the p.Arg744 amino acid residue in KCNH2. Other variant(s) that disrupt this residue have been observed in individuals with KCNH2-related conditions (PMID: 22314138, 26746457), which suggests that this may be a clinically significant amino acid residue. In summary, the available evidence is currently insufficient to determine the role of this variant in disease. Therefore, it has been classified as a Variant of Uncertain Significance.

Color Diagnostics, LLC DBA Color Health
Classification: Uncertain significance for Cardiac arrhythmia. Last evaluated: 2025-03-10. Review status: criteria provided, single submitter. Criteria: ACMG Guidelines, 2015. Collection method: clinical testing. Allele origin: germline.
Comment: This missense variant replaces arginine with glutamine at codon 744 of the KCNH2 protein. Computational prediction is inconclusive regarding the impact of this variant on protein structure and function. To our knowledge, functional studies have not been reported for this variant. This variant has not been reported in individuals affected with cardiovascular disorders in the literature. This variant has been identified in 2/281276 chromosomes in the general population by the Genome Aggregation Database (gnomAD). The available evidence is insufficient to determine the role of this variant in disease conclusively. Therefore, this variant is classified as a Variant of Uncertain Significance.

All of Us Research Program, National Institutes of Health
Classification: Uncertain significance for Long QT syndrome. Last evaluated: 2024-01-11. Review status: criteria provided, single submitter. Criteria: ACMG Guidelines, 2015. Collection method: clinical testing. Allele origin: germline. Inheritance: Autosomal dominant inheritance. Observed: 1 variant allele, 1 heterozygote.
Comment: This missense variant replaces arginine with glutamine at codon 744 of the KCNH2 protein. Computational prediction is inconclusive regarding the impact of this variant on protein structure and function (internally defined REVEL score threshold 0.5 < inconclusive < 0.7, PMID: 27666373). To our knowledge, functional studies have not been reported for this variant. This variant has not been reported in individuals affected with cardiovascular disorders in the literature. This variant has been identified in 2/281276 chromosomes in the general population by the Genome Aggregation Database (gnomAD). The available evidence is insufficient to determine the role of this variant in disease conclusively. Therefore, this variant is classified as a Variant of Uncertain Significance.

This study involves interpretation of variants in research participants for the purpose of population health screening. Participant phenotype was not available at the time of variant classification. Additional details can be found in publication PMID: 35346344, PMCID: PMC8962531

Fulgent Genetics
Classification: Uncertain significance for Short QT syndrome type 1; Long QT syndrome 2. Last evaluated: 2021-07-26. Review status: criteria provided, single submitter. Criteria: ACMG Guidelines, 2015. Collection method: clinical testing. Allele origin: unknown.

Ambry Genetics
Classification: Uncertain significance for Cardiovascular phenotype. Last evaluated: 2021-01-29. Review status: criteria provided, single submitter. Criteria: Ambry Variant Classification Scheme 2023. Collection method: clinical testing. Allele origin: germline.
Comment: The p.R744Q variant (also known as c.2231G>A), located in coding exon 9 of the KCNH2 gene, results from a G to A substitution at nucleotide position 2231. The arginine at codon 744 is replaced by glutamine, an amino acid with highly similar properties, and is located in the cytoplasmic cyclic nucleotide binding domain. This variant was reported in a prospective electronic medical record cohort; however clinical details were limited (Van Driest SL et al. JAMA, 2016 Jan;315:47-57). This amino acid position is well conserved in available vertebrate species. In addition, the in silico prediction for this alteration is inconclusive. Since supporting evidence is limited at this time, the clinical significance of this alteration remains unclear.

Literature cited by the submitters: PubMed 26746457 (cited by Labcorp Genetics (formerly Invitae), Labcorp and Ambry Genetics); PubMed 22314138 (cited by Labcorp Genetics (formerly Invitae), Labcorp).